The following is an entry in ClinVar:

ClinVar aggregate classification (germline): Uncertain significance. Review status: criteria provided, multiple submitters, no conflicts (2 of 4 stars). 2 submissions from 2 submitters: Uncertain significance (2). Last evaluated 2025-01-15.

Conditions:
KDM5B-related disorder. Also called: KDM5B-related condition.

Allele frequency attached by ClinVar (database versions not stated): gnomAD exomes 0.00001; ExAC 0.00002.
gnomAD v4.1: 12 of 1,613,128 alleles (0.00074%); highest among the groups gnomAD compares: Middle Eastern, 0.016%; no homozygotes.

Submissions (2):

PreventionGenetics, part of Exact Sciences
Classification: Uncertain significance for KDM5B-related condition. Last evaluated: 2025-01-15. Review status: criteria provided, single submitter. Criteria: ACMG Guidelines, 2015. Collection method: clinical testing. Allele origin: germline.
Comment: The KDM5B c.293G>A variant is predicted to result in the amino acid substitution p.Arg98His. This variant was reported as de novo in a patient with Chiari malformation, autism spectrum disorder and psychomotor delay (Provenzano et al. 2021. PubMed ID: 33337535). This variant is reported in 0.0062% of alleles in individuals of African descent in gnomAD. Of note, another variant impacting the same amino acid (p.Arg98Cys) has been reported as de novo in an autism spectrum disorder cohort (Supplementary Table 20 in Fu et al. 2022. PubMed ID: 35982160). Although we suspect that the c.293G>A (p.Arg98His) variant may be pathogenic, at this time, the clinical significance of this variant is uncertain due to the absence of conclusive functional and genetic evidence.

CeGaT Center for Human Genetics Tuebingen
Classification: Uncertain significance. Last evaluated: 2020-07-01. Review status: criteria provided, single submitter. Criteria: CeGaT Center For Human Genetics Tuebingen Variant Classification Criteria Version 2. Collection method: clinical testing. Allele origin: germline. Affected: yes. Observed: 3 variant alleles.

NM_006618.5(KDM5B):c.293G>A (p.Arg98His)

Gene: KDM5B (lysine demethylase 5B; minus strand). Cytogenetic location: 1q32.1.
Variant type: single nucleotide variant.
Coding change: c.293G>A on transcript NM_006618.5 (MANE Select); coding-DNA position 293, G replaced by A.
Protein change: p.Arg98His; replaces arginine 98 with histidine.
Molecular consequence: missense variant.
Genome position (GRCh38, 1-based): chr1:202,774,725, C>T on the plus strand (G>A on the coding strand, the complement: KDM5B is on the minus strand). VCF-style: chr1-202774725-C-T. GRCh37 (hg19) VCF-style: chr1-202743853-C-T.
Other names: c.293G>A, p.Arg98His (NM_001314042.2, NM_001347591.2); c.278G>A, p.Arg93His (NM_001399817.1); c.293G>A (NM_006618.4); short protein forms R98H, R93H.
Identifiers: ClinVar variation 872560 (VCV000872560.42), dbSNP rs748231291, ClinGen allele CA1335023.